The following is an entry in ClinVar:

ClinVar aggregate classification (germline): Uncertain significance (1 of 4 stars; one submission).

gnomAD v4.1: 1 of 1,592,366 alleles (0.000063%); highest among the groups gnomAD compares: Non-Finnish European, 0.000086%; no homozygotes.

Submission:

Labcorp Genetics (formerly Invitae), Labcorp
Classification: Uncertain significance. Last evaluated: 2021-11-02. Review status: criteria provided, single submitter. Criteria: Invitae Variant Classification Sherloc (09022015). Collection method: clinical testing. Allele origin: germline.
Comment: In summary, the available evidence is currently insufficient to determine the role of this variant in disease. Therefore, it has been classified as a Variant of Uncertain Significance. Advanced modeling of protein sequence and biophysical properties (such as structural, functional, and spatial information, amino acid conservation, physicochemical variation, residue mobility, and thermodynamic stability) performed at Invitae indicates that this missense variant is not expected to disrupt COL11A1 protein function. This variant has not been reported in the literature in individuals affected with COL11A1-related conditions. This variant is not present in population databases (gnomAD no frequency). This sequence change replaces leucine, which is neutral and non-polar, with proline, which is neutral and non-polar, at codon 837 of the COL11A1 protein (p.Leu837Pro).

NM_001854.4(COL11A1):c.2510T>C (p.Leu837Pro)

Gene: COL11A1 (collagen type XI alpha 1 chain; minus strand). Cytogenetic location: 1p21.1.
Variant type: single nucleotide variant.
Coding change: c.2510T>C on transcript NM_001854.4 (MANE Select); coding-DNA position 2510, T replaced by C.
Protein change: p.Leu837Pro; replaces leucine 837 with proline.
Molecular consequence: missense variant. On other transcripts: non-coding transcript variant (1).
Genome position (GRCh38, 1-based): chr1:102,984,184, A>G on the plus strand (T>C on the coding strand, the complement: COL11A1 is on the minus strand). VCF-style: chr1-102984184-A-G. GRCh37 (hg19) VCF-style: chr1-103449740-A-G.
Other names: c.2393T>C, p.Leu798Pro (NM_001190709.2); c.2546T>C, p.Leu849Pro (NM_080629.3); c.2162T>C, p.Leu721Pro (NM_080630.4); short protein forms L721P, L798P, L837P, L849P.
Identifiers: ClinVar variation 1390812 (VCV001390812.6), dbSNP rs2101714784, ClinGen allele CA341165140.